The following is an entry in ClinVar:

NM_001291867.2(NHS):c.766dup (p.Leu256fs)

Gene: NHS (NHS actin remodeling regulator; plus strand). Cytogenetic location: Xp22.13.
Variant type: Duplication.
Coding change: c.766dup on transcript NM_001291867.2 (MANE Select); coding-DNA position 766, one base duplicated (C; older notation c.766dupC).
Protein change: p.Leu256fs; shifts the reading frame from leucine 256.
Molecular consequence: frameshift variant.
Genome position (GRCh38, 1-based): chrX:17,692,382, C duplicated; the last of 6 consecutive C bases (chrX:17,692,377-17,692,382); duplicating any one gives the same sequence. VCF-style (leftmost placement, unchanged base first): chrX-17692376-G-GC. GRCh37 (hg19) VCF-style: chrX-17710496-G-GC.
Other names: c.235dup, p.Leu79fs (NM_001136024.4, NM_001291868.2); c.766dup, p.Leu256fs (NM_198270.4); short protein forms L79fs, L256fs.
Identifiers: ClinVar variation 1452872 (VCV001452872.6), dbSNP rs2147115316, ClinGen allele CA2573158399.

ClinVar aggregate classification (germline): Pathogenic (1 of 4 stars; one submission).

Conditions:
Nance-Horan syndrome (NHS). Identifiers: Orphanet 627, MedGen C0796085, MONDO:0010545, OMIM 302350.

Submission:

Labcorp Genetics (formerly Invitae), Labcorp
Classification: Pathogenic for Nance-Horan syndrome. Last evaluated: 2025-03-18. Review status: criteria provided, single submitter. Criteria: Invitae Variant Classification Sherloc (09022015). Collection method: clinical testing. Allele origin: germline.
Comment: This sequence change creates a premature translational stop signal (p.Leu256Profs*21) in the NHS gene. It is expected to result in an absent or disrupted protein product. Loss-of-function variants in NHS are known to be pathogenic (PMID: 14564667, 19414485). This variant is not present in population databases (gnomAD no frequency). This variant has not been reported in the literature in individuals affected with NHS-related conditions. ClinVar contains an entry for this variant (Variation ID: 1452872). For these reasons, this variant has been classified as Pathogenic.

Literature cited by the submitters: PubMed 14564667; PubMed 19414485.